The following is an entry in ClinVar:

ClinVar aggregate classification (germline): Uncertain significance (1 of 4 stars; one submission).

Conditions:
Multiple endocrine neoplasia, type 1 (MEN1). Also called: WERMER SYNDROME; Endocrine adenomatosis multiple; MEN 1; MEA I; MEN I. Identifiers: Orphanet 652, MedGen C0025267, MeSH D018761, MONDO:0007540, OMIM 131100.

Submission:

Labcorp Genetics (formerly Invitae), Labcorp
Classification: Uncertain significance for Multiple endocrine neoplasia, type 1. Last evaluated: 2018-05-07. Review status: criteria provided, single submitter. Criteria: Invitae Variant Classification Sherloc (09022015). Collection method: clinical testing. Allele origin: germline.
Comment: In summary, the available evidence is currently insufficient to determine the role of this variant in disease. Therefore, it has been classified as a Variant of Uncertain Significance. Nucleotide substitutions within the consensus splice site are a relatively common cause of aberrant splicing (PMID: 17576681, 9536098). Algorithms developed to predict the effect of sequence changes on RNA splicing suggest that this variant may disrupt the consensus splice site, but this prediction has not been confirmed by published transcriptional studies. This variant has not been reported in the literature in individuals with MEN1-related disease. This variant is not present in population databases (ExAC no frequency). This sequence change falls in intron 9 of the MEN1 gene. It does not directly change the encoded amino acid sequence of the MEN1 protein, but it affects a nucleotide within the consensus splice site of the intron.

Literature cited by the submitters: PubMed 17576681; PubMed 9536098.

NM_001370259.2(MEN1):c.1350+4_1350+6del

Gene: MEN1 (menin 1; minus strand). Cytogenetic location: 11q13.1.
Variant type: Deletion.
Coding change: c.1350+4_1350+6del on transcript NM_001370259.2 (MANE Select); bases 4 to 6 of the intron after coding-DNA position 1350, 3 bases deleted (AGG; older notation c.1350+4_1350+6delAGG).
Molecular consequence: intron variant.
Genome position (GRCh38, 1-based): chr11:64,805,028-64,805,030, CCT deleted on the plus strand (AGG on the coding strand, the reverse complement: MEN1 is on the minus strand); deleting any 3 consecutive bases within chr11:64,805,028-64,805,031 gives the same sequence; the c. name uses the placement nearest the transcript's 3' end. VCF-style (leftmost placement, unchanged base first): chr11-64805027-CCCT-C. GRCh37 (hg19) VCF-style: chr11-64572499-CCCT-C.
Other names: c.1350+4_1350+6delAGG (NM_130799.2); c.1365+4_1365+6del (NM_130804.3, NM_130803.3, NM_000244.4 and 3 more transcripts); c.1350+4_1350+6del (NM_130799.3, NM_001370260.2, NM_001370261.2); c.1476+4_1476+6del (NM_001370251.2); c.1245+4_1245+6del (NM_001370263.2, NM_001370262.2).
Identifiers: ClinVar variation 569185 (VCV000569185.7), dbSNP rs1565639798, ClinGen allele CA891843128.